The following is an entry in ClinVar:

ClinVar aggregate classification (germline): Uncertain significance (1 of 4 stars; one submission).

Allele frequency attached by ClinVar (database versions not stated): gnomAD 0.00001; TOPMed 0.00003; ExAC 0.00005.
gnomAD v4.1: 27 of 1,606,520 alleles (0.0017%); highest among the groups gnomAD compares: Non-Finnish European, 0.002%; no homozygotes.

Submission:

Ambry Genetics
Classification: Uncertain significance. Last evaluated: 2024-12-06. Review status: criteria provided, single submitter. Criteria: Ambry Variant Classification Scheme 2023. Collection method: clinical testing. Allele origin: germline.
Comment: The p.N432H variant (also known as c.1294A>C), located in coding exon 2 of the CDK12 gene, results from an A to C substitution at nucleotide position 1294. The asparagine at codon 432 is replaced by histidine, an amino acid with similar properties. This amino acid position is conserved. In addition, this alteration is predicted to be tolerated by in silico analysis. Based on the available evidence, the clinical significance of this variant remains unclear.

NM_016507.4(CDK12):c.1294A>C (p.Asn432His)

Gene: CDK12 (cyclin dependent kinase 12; plus strand). Cytogenetic location: 17q12.
Variant type: single nucleotide variant.
Coding change: c.1294A>C on transcript NM_016507.4 (MANE Select); coding-DNA position 1294, A replaced by C.
Protein change: p.Asn432His; replaces asparagine 432 with histidine.
Molecular consequence: missense variant.
Genome position (GRCh38, 1-based): chr17:39,471,126, A>C. VCF-style: chr17-39471126-A-C. GRCh37 (hg19) VCF-style: chr17-37627379-A-C.
Other names: c.1294A>C, p.Asn432His (NM_015083.4); short protein forms N432H.
Identifiers: ClinVar variation 3141469 (VCV003141469.2), dbSNP rs748009677, ClinGen allele CA8531113.